The following is an entry in ClinVar:

NM_001267550.2(TTN):c.50657_50660dup (p.Tyr16887Ter)

Genes: TTN (titin; minus strand), TTN-AS1 (TTN antisense RNA 1; plus strand). Cytogenetic location: 2q31.2.
Variant type: Duplication.
Coding change: c.50657_50660dup on transcript NM_001267550.2 (MANE Select); coding-DNA positions 50657 to 50660, 4 bases duplicated (GATA; older notation c.50657_50660dupGATA).
Protein change: p.Tyr16887Ter; replaces tyrosine 16887 with a stop codon.
Molecular consequence: nonsense.
Genome position (GRCh38, 1-based): chr2:178,611,569-178,611,572, TATC duplicated on the plus strand (GATA on the coding strand, the reverse complement: TTN is on the minus strand). VCF-style (leftmost placement, unchanged base first): chr2-178611568-G-GTATC. GRCh37 (hg19) VCF-style: chr2-179476295-G-GTATC.
Other names: c.23462_23465dupGATA (NM_003319.4); c.50657_50660dup (NM_001267550.1); c.45734_45737dup, p.Tyr15246Ter (NM_001256850.1); c.23462_23465dup, p.Tyr7822Ter (NM_003319.4); c.42953_42956dup, p.Tyr14319Ter (NM_133378.4); c.23837_23840dup, p.Tyr7947Ter (NM_133432.3); c.24038_24041dup, p.Tyr8014Ter (NM_133437.4); c.50657_50660dupGATA (NM_001267550.2); short protein forms Y15246*, Y16887*, Y7822*, Y7947*, Y8014*, Y14319*.
Identifiers: ClinVar variation 851858 (VCV000851858.16), dbSNP rs2056330918, ClinGen allele CA916081366.

ClinVar aggregate classification (germline): Pathogenic/Likely pathogenic. Review status: criteria provided, multiple submitters, no conflicts (2 of 4 stars). 6 submissions from 6 submitters: Pathogenic (1); Likely pathogenic (5). Last evaluated 2025-10-23.

Conditions:
Reduced left ventricular ejection fraction. Identifiers: MedGen C4022792, HP:0012664.
Noncompaction cardiomyopathy. Identifiers: MedGen C1839832, HP:0012817.
Cardiovascular phenotype. Identifiers: MedGen CN230736.
Autosomal recessive limb-girdle muscular dystrophy type 2J (LGMDR10). Also called: Limb-girdle muscular dystrophy, type 2J; MUSCULAR DYSTROPHY, LIMB-GIRDLE, AUTOSOMAL RECESSIVE 10. Identifiers: Orphanet 140922, MedGen C1837342, MONDO:0012127, OMIM 608807.
Dilated cardiomyopathy 1G (CMD1G). Identifiers: Orphanet 154, MedGen C1858763, MONDO:0011400, OMIM 604145.
Tibial muscular dystrophy (TMD). Also called: Tibial muscular dystrophy, tardive; UDD MYOPATHY; Udd Distal Myopathy – Tibial Muscular Dystrophy. Identifiers: Orphanet 609, MedGen C1838244, MONDO:0010870, OMIM 600334.
Hypertrophic cardiomyopathy 9. Also called: Familial hypertrophic cardiomyopathy 9. Identifiers: MedGen C1861065, MONDO:0013412, OMIM 613765.
Myopathy, myofibrillar, 9, with early respiratory failure (MFM9). Also called: MYOPATHY, PROXIMAL, WITH EARLY RESPIRATORY MUSCLE INVOLVEMENT; EDSTROM MYOPATHY; Myopathy, distal, with early respiratory failure, autosomal dominant; Hereditary myopathy with early respiratory failure. Identifiers: Orphanet 178464, Orphanet 34521, MedGen C1863599, MONDO:0011362, OMIM 603689.
Early-onset myopathy with fatal cardiomyopathy (CMYO5). Also called: Salih Myopathy; CONGENITAL MYOPATHY 5 WITH CARDIOMYOPATHY. Identifiers: Orphanet 289377, MedGen C2673677, MONDO:0012714, OMIM 611705. Disease mechanism: loss of function.
TTN-related disorder. Also called: TTN-related condition; TTN-related disease; TTN-related disorders.

Allele frequency attached by ClinVar (database versions not stated): gnomAD exomes below 0.00001.

Submissions (6):

Labcorp Genetics (formerly Invitae), Labcorp
Classification: Pathogenic for Dilated cardiomyopathy 1G; Autosomal recessive limb-girdle muscular dystrophy type 2J. Last evaluated: 2025-10-23. Review status: criteria provided, single submitter. Criteria: Invitae Variant Classification Sherloc (09022015). Collection method: clinical testing. Allele origin: germline.
Comment: This sequence change creates a premature translational stop signal (p.Tyr16887*) in the TTN gene. While this is not anticipated to result in nonsense mediated decay, it is expected to create a truncated TTN protein. This variant is not present in population databases (gnomAD no frequency). This premature translational stop signal has been observed in individuals with dilated cardiomyopathy (PMID: 37652022; internal data). ClinVar contains an entry for this variant (Variation ID: 851858). Algorithms developed to predict the effect of sequence changes on RNA splicing suggest that this variant may disrupt the consensus splice site. This variant is located in the A band of TTN (PMID: 25589632). Truncating variants in this region are significantly overrepresented in patients affected with dilated cardiomyopathy (PMID: 25589632). Truncating variants in this region have also been reported in individuals affected with autosomal recessive centronuclear myopathy (PMID: 23975875). For these reasons, this variant has been classified as Pathogenic.

GeneDx
Classification: Likely pathogenic. Last evaluated: 2025-05-05. Review status: criteria provided, single submitter. Criteria: GeneDx Variant Classification Process June 2021. Collection method: clinical testing. Allele origin: germline. Affected: yes.
Comment: Identified in a patient with DCM in published literature (PMID: 37652022); Nonsense variant predicted to result in protein truncation or nonsense mediated decay in a gene for which loss of function is a known mechanism of disease; Not observed at significant frequency in large population cohorts (gnomAD); This variant is associated with the following publications: (PMID: 22335739, 32778822, 37652022)

PreventionGenetics, part of Exact Sciences
Classification: Likely pathogenic for TTN-related condition. Last evaluated: 2025-03-30. Review status: criteria provided, single submitter. Criteria: ACMG Guidelines, 2015. Collection method: clinical testing. Allele origin: germline.
Comment: The TTN c.50657_50660dupGATA variant is predicted to result in premature protein termination (p.Tyr16887*). This variant has been reported in an individual with dilated cardiomyopathy (DCM) (McGurk et al. 2023. PubMed ID: 37652022). It has not been reported in a large population database (gnomAD), indicating this variant is rare. This variant is located in the A-band region of the protein in which truncating TTN variants have been found more frequently in dilated cardiomyopathy patients than in controls (Herman et al. 2012. PubMed ID: 22335739). RNAseq studies from heart tissue indicate this exon is commonly included in TTN mRNA transcripts (PSI of 100%); however, this analysis in muscle tissue was not performed (Roberts et al. 2015. PMID: 25589632). TTN truncating variants are reported in 1-2% of presumably healthy individuals and occur more frequently in exons with low PSI values, indicating this variant is more likely to be disease causing (Herman et al. 2012. PubMed ID: 22335739; Roberts et al. 2015. PubMed ID: 25589632). This variant is interpreted as likely pathogenic for both autosomal recessive and dominant TTN-related disorders.

Fulgent Genetics
Classification: Likely pathogenic for Tibial muscular dystrophy; Myopathy, myofibrillar, 9, with early respiratory failure; Dilated cardiomyopathy 1G; Autosomal recessive limb-girdle muscular dystrophy type 2J; Early-onset myopathy with fatal cardiomyopathy; Hypertrophic cardiomyopathy 9. Last evaluated: 2021-09-01. Review status: criteria provided, single submitter. Criteria: ACMG Guidelines, 2015. Collection method: clinical testing. Allele origin: unknown.

Ambry Genetics
Classification: Likely pathogenic for Cardiovascular phenotype. Last evaluated: 2021-02-17. Review status: criteria provided, single submitter. Criteria: Ambry Variant Classification Scheme 2023. Collection method: clinical testing. Allele origin: germline.
Comment: The c.23462_23465dupGATA variant, located in coding exon 96 of the TTN gene, results from a duplication of GATA at nucleotide positions 23462 to 23465, this changes the amino acid at position 7822 from a tyrosine to a stop codon (p.Y7822*). This exon is located in the A-band region of the N2-B isoform of the titin protein and is constitutively expressed in TTN transcripts (percent spliced in or PSI 100%). This alteration is expected to result in loss of function by premature protein truncation or nonsense-mediated mRNA decay. While truncating variants in TTN are present in 1-3% of the general population, truncating variants in the A-band are the most common cause of dilated cardiomyopathy (DCM) (Herman DS et al. N. Engl. J. Med., 2012 Feb;366:619-28; Roberts AM et al. Sci Transl Med, 2015 Jan;7:270ra6). TTN truncating variants encoded in constitutive exons (PSI >90%) have been found to be significantly associated with DCM regardless of their position in titin (Schafer S et al. Nat. Genet., 2017 01;49:46-53). As such, this alteration is classified as likely pathogenic.

Institute of Human Genetics Munich, TUM University Hospital
Classification: Likely pathogenic for Reduced left ventricular ejection fraction; Noncompaction cardiomyopathy. Last evaluated: 2020-11-23. Review status: criteria provided, single submitter. Criteria: Classification criteria August 2017. Collection method: clinical testing. Allele origin: germline. Inheritance: Autosomal dominant inheritance. Affected: yes. Observed: 1 variant allele.

Literature cited by the submitters: PubMed 37652022 (cited by Labcorp Genetics (formerly Invitae), Labcorp); PubMed 25589632 (cited by Labcorp Genetics (formerly Invitae), Labcorp); PubMed 23975875 (cited by Labcorp Genetics (formerly Invitae), Labcorp).